The following is an entry in ClinVar:

ClinVar aggregate classification (germline): Uncertain significance (1 of 4 stars; one submission).

Conditions:
Hereditary cancer-predisposing syndrome. Also called: Hereditary neoplastic syndrome; Tumor predisposition; Hereditary Cancer Syndrome; Neoplastic Syndromes, Hereditary. Identifiers: Orphanet 140162, MedGen C0027672, MeSH D009386, MONDO:0015356.

Submissions (2):

Color Diagnostics, LLC DBA Color Health
Classification: Uncertain significance for Hereditary cancer-predisposing syndrome. Last evaluated: 2019-04-09. Review status: criteria provided, single submitter. Criteria: ACMG Guidelines, 2015. Collection method: clinical testing. Allele origin: germline.

Brotman Baty Institute, University of Washington
No classification provided (evidence only). Condition: Breast-ovarian cancer, familial 1. Review status: no classification provided. Collection method: in vitro. Allele origin: not applicable. Functional consequence: functionally_normal. Not counted in ClinVar's aggregate classification.
ClinVar note: "not provided" was previously submitted as the classification for the variant. However, the classification appeared to be based only on an observation of functional data so it was converted to no classification on 2025-07-30.

NM_007294.4(BRCA1):c.5197G>C (p.Asp1733His)

Gene: BRCA1 (BRCA1 DNA repair associated; minus strand). Cytogenetic location: 17q21.31.
Variant type: single nucleotide variant.
Coding change: c.5197G>C on transcript NM_007294.4 (MANE Select); coding-DNA position 5197, G replaced by C.
Protein change: p.Asp1733His; replaces aspartic acid 1733 with histidine.
Molecular consequence: missense variant. On other transcripts: non-coding transcript variant (1).
Genome position (GRCh38, 1-based): chr17:43,057,132, C>G on the plus strand (G>C on the coding strand, the complement: BRCA1 is on the minus strand). VCF-style: chr17-43057132-C-G. GRCh37 (hg19) VCF-style: chr17-41209149-C-G.
Other names: c.4984G>C, p.Asp1662His (NM_001407900.1, NM_001407902.1, NM_001407904.1 and 12 more transcripts); c.4981G>C, p.Asp1661His (NM_001407915.1, NM_001407916.1, NM_001407917.1 and 1 more transcripts); c.4933G>C, p.Asp1645His (NM_001407926.1, NM_001407920.1, NM_001407921.1 and 4 more transcripts); c.4930G>C, p.Asp1644His (NM_001407927.1, NM_001407928.1, NM_001407929.1 and 4 more transcripts); c.4927G>C, p.Asp1643His (NM_001407934.1, NM_001407935.1, NM_001407936.1); c.5053G>C, p.Asp1685His (NM_001407945.1, NM_001407734.1, NM_001407735.1 and 21 more transcripts); c.4864G>C, p.Asp1622His (NM_001407946.1, NM_001407947.1, NM_001407948.1 and 1 more transcripts); c.4861G>C, p.Asp1621His (NM_001407950.1, NM_001407951.1, NM_001407952.1 and 3 more transcripts); and 72 more; short protein forms D1733H, D629H, D1754H, D1686H, D1437H, D1622H, D1643H, D1665H.
Identifiers: ClinVar variation 628107 (VCV000628107.6), dbSNP rs398122693, ClinGen allele CA10591139.